The following is an entry in ClinVar:

ClinVar aggregate classification (germline): Conflicting classifications of pathogenicity. Review status: criteria provided, conflicting classifications (1 of 4 stars). 6 submissions from 6 submitters: Uncertain significance (1); Likely benign (4). 1 of the submissions does not count toward it. Last evaluated 2026-02-02.

Conditions:
DCTN1-related disorder. Also called: DCTN1-related condition.
Neuronopathy, distal hereditary motor, type 7B. Also called: NEURONOPATHY, DISTAL HEREDITARY MOTOR, AUTOSOMAL DOMINANT 14; NEURONOPATHY, DISTAL HEREDITARY MOTOR, HARDING TYPE VIIB; NEUROPATHY, DISTAL HEREDITARY MOTOR, HARDING TYPE VIIB; NEUROPATHY, DISTAL HEREDITARY MOTOR, WITH VOCAL CORD PARALYSIS, HARDING TYPE VIIB; LOWER MOTOR NEURON DISEASE, DYNACTIN TYPE; HMN VIIB. Identifiers: Orphanet 139589, MedGen C1843315, MONDO:0011879, OMIM 607641.
Amyotrophic lateral sclerosis type 1 (ALS1). Also called: AMYOTROPHIC LATERAL SCLEROSIS 1, FAMILIAL. Identifiers: Orphanet 803, MedGen C1862939, MONDO:0007103, OMIM 105400.
Perry syndrome. Also called: PARKINSONISM WITH ALVEOLAR HYPOVENTILATION AND MENTAL DEPRESSION. Identifiers: Orphanet 178509, MedGen C1868594, MONDO:0008201, OMIM 168605.

Allele frequency attached by ClinVar (database versions not stated): gnomAD 0.00018 and 0.00020; ExAC 0.00019; gnomAD exomes 0.00022 and 0.00041; TOPMed 0.00022; ESP Exome Variant Server 0.00038.
gnomAD v4.1: 623 of 1,613,804 alleles (0.039%); highest among the groups gnomAD compares: Non-Finnish European, 0.049%; no homozygotes.

Submissions (6):

Labcorp Genetics (formerly Invitae), Labcorp
Classification: Likely benign for Amyotrophic lateral sclerosis type 1; Neuronopathy, distal hereditary motor, type 7B; Perry syndrome. Last evaluated: 2026-02-02. Review status: criteria provided, single submitter. Criteria: Invitae Variant Classification Sherloc (09022015). Collection method: clinical testing. Allele origin: germline.

Mayo Clinic Laboratories, Mayo Clinic
Classification: Likely benign. Last evaluated: 2025-11-21. Review status: criteria provided, single submitter. Criteria: ACMG Guidelines, 2015. Collection method: clinical testing. Allele origin: germline. Observed: 4 variant alleles.
Comment: BS2

CeGaT Center for Human Genetics Tuebingen
Classification: Uncertain significance. Last evaluated: 2025-01-01. Review status: criteria provided, single submitter. Criteria: CeGaT Center For Human Genetics Tuebingen Variant Classification Criteria Version 2. Collection method: clinical testing. Allele origin: germline. Affected: yes. Observed: 2 variant alleles.
Comment: DCTN1: PP3

ARUP Laboratories, Molecular Genetics and Genomics, ARUP Laboratories
Classification: Likely benign. Last evaluated: 2019-11-11. Review status: criteria provided, single submitter. Criteria: ARUP Molecular Germline Variant Investigation Process. Collection method: clinical testing. Allele origin: germline.

Athena Diagnostics
Classification: Likely benign. Last evaluated: 2016-08-12. Review status: criteria provided, single submitter. Criteria: Athena Diagnostics Criteria. Collection method: clinical testing. Allele origin: germline.

PreventionGenetics, part of Exact Sciences
Classification: Likely benign for DCTN1-related condition. Last evaluated: 2022-12-07. Review status: no assertion criteria provided. Collection method: clinical testing. Allele origin: germline. Not counted in ClinVar's aggregate classification.
Comment: This variant is classified as likely benign based on ACMG/AMP sequence variant interpretation guidelines (Richards et al. 2015 PMID: 25741868, with internal and published modifications).

NM_004082.5(DCTN1):c.837G>A (p.Ala279=)

Gene: DCTN1 (dynactin subunit 1; minus strand). Cytogenetic location: 2p13.1.
Variant type: single nucleotide variant.
Coding change: c.837G>A on transcript NM_004082.5 (MANE Select); coding-DNA position 837, G replaced by A.
Protein change: p.Ala279=; no amino-acid change (alanine 279 retained).
Molecular consequence: synonymous variant. On other transcripts: non-coding transcript variant (1).
Genome position (GRCh38, 1-based): chr2:74,370,985, C>T on the plus strand (G>A on the coding strand, the complement: DCTN1 is on the minus strand). VCF-style: chr2-74370985-C-T. GRCh37 (hg19) VCF-style: chr2-74598112-C-T.
Other names: p.Ala279=; c.777G>A, p.Ala259= (NM_001135040.3); c.435G>A, p.Ala145= (NM_001135041.3, NM_023019.4); c.726G>A, p.Ala242= (NM_001190836.2); c.816G>A, p.Ala272= (NM_001190837.2); c.786G>A, p.Ala262= (NM_001378991.1); c.768G>A, p.Ala256= (NM_001378992.1).
Identifiers: ClinVar variation 447239 (VCV000447239.62), dbSNP rs72466489, ClinGen allele CA1722318.